The following is an entry in ClinVar:

ClinVar aggregate classification (germline): Uncertain significance. Review status: criteria provided, multiple submitters, no conflicts (2 of 4 stars). 2 submissions from 2 submitters: Uncertain significance (2). Last evaluated 2022-10-12.

Conditions:
Severe combined immunodeficiency due to DNA-PKcs deficiency. Also called: IMMUNODEFICIENCY 26 WITH NEUROLOGIC ABNORMALITIES; Immunodeficiency 26 with or without neurologic abnormalities. Identifiers: Orphanet 317425, MedGen C4014833, MONDO:0014423, OMIM 615966.

Allele frequency attached by ClinVar (database versions not stated): gnomAD exomes below 0.00001.
gnomAD v4.1: 1 of 1,613,890 alleles (0.000062%); highest among the groups gnomAD compares: Non-Finnish European, 0.000085%; no homozygotes.

Submissions (2):

Labcorp Genetics (formerly Invitae), Labcorp
Classification: Uncertain significance for Severe combined immunodeficiency due to DNA-PKcs deficiency. Last evaluated: 2022-10-12. Review status: criteria provided, single submitter. Criteria: Invitae Variant Classification Sherloc (09022015). Collection method: clinical testing. Allele origin: germline.
Comment: In summary, the available evidence is currently insufficient to determine the role of this variant in disease. Therefore, it has been classified as a Variant of Uncertain Significance. Experimental studies and prediction algorithms are not available or were not evaluated, and the functional significance of this variant is currently unknown. This variant has not been reported in the literature in individuals affected with PRKDC-related conditions. This variant is not present in population databases (gnomAD no frequency). This sequence change replaces proline, which is neutral and non-polar, with serine, which is neutral and polar, at codon 3713 of the PRKDC protein (p.Pro3713Ser).

Ambry Genetics
Classification: Uncertain significance. Last evaluated: 2021-06-23. Review status: criteria provided, single submitter. Criteria: Ambry Variant Classification Scheme 2023. Collection method: clinical testing. Allele origin: germline.
Comment: The p.P3713S variant (also known as c.11137C>T), located in coding exon 78 of the PRKDC gene, results from a C to T substitution at nucleotide position 11137. The proline at codon 3713 is replaced by serine, an amino acid with similar properties. This amino acid position is conserved. In addition, this alteration is predicted to be tolerated by in silico analysis. Since supporting evidence is limited at this time, the clinical significance of this alteration remains unclear.

NM_006904.7(PRKDC):c.11137C>T (p.Pro3713Ser)

Gene: PRKDC (protein kinase, DNA-activated, catalytic subunit; minus strand). Cytogenetic location: 8q11.21.
Variant type: single nucleotide variant.
Coding change: c.11137C>T on transcript NM_006904.7 (MANE Select); coding-DNA position 11137, C replaced by T.
Protein change: p.Pro3713Ser; replaces proline 3713 with serine.
Molecular consequence: missense variant.
Genome position (GRCh38, 1-based): chr8:47,783,780, G>A on the plus strand (C>T on the coding strand, the complement: PRKDC is on the minus strand). VCF-style: chr8-47783780-G-A. GRCh37 (hg19) VCF-style: chr8-48696341-G-A.
Other names: c.11137C>T, p.Pro3713Ser (NM_001081640.2); short protein forms P3713S.
Identifiers: ClinVar variation 1795576 (VCV001795576.5), dbSNP rs2086741142, ClinGen allele CA371130732.